The following is an entry in ClinVar:

NM_000277.3(PAH):c.386A>G (p.Asp129Gly)

Gene: PAH (phenylalanine hydroxylase; minus strand). Cytogenetic location: 12q23.2.
Variant type: single nucleotide variant.
Coding change: c.386A>G on transcript NM_000277.3 (MANE Select); coding-DNA position 386, A replaced by G.
Protein change: p.Asp129Gly; replaces aspartic acid 129 with glycine.
Molecular consequence: missense variant.
Genome position (GRCh38, 1-based): chr12:102,877,517, T>C on the plus strand (A>G on the coding strand, the complement: PAH is on the minus strand). VCF-style: chr12-102877517-T-C. GRCh37 (hg19) VCF-style: chr12-103271295-T-C.
Other names: c.386A>G, p.Asp129Gly (NM_001354304.2); c.386A>G (NM_000277.2); short protein forms D129G.
Identifiers: ClinVar variation 102661 (VCV000102661.17), dbSNP rs199475623, ClinGen allele CA229527.

ClinVar aggregate classification (germline): Likely pathogenic. Review status: reviewed by expert panel (3 of 4 stars). 8 submissions from 8 submitters: Likely pathogenic (1). 7 of the submissions do not count toward it. Last evaluated 2019-04-05.

Conditions:
Phenylketonuria (PKU). Also called: FOLLING DISEASE; Phenylketonurias; OLIGOPHRENIA PHENYLPYRUVICA; Phenylketonuria (PKU). Identifiers: Orphanet 716, MedGen C0031485, MONDO:0009861, OMIM 261600. Disease mechanism: loss of function.

Allele frequency attached by ClinVar (database versions not stated): gnomAD 0.00001; gnomAD exomes below 0.00001; TOPMed 0.00001.
gnomAD v4.1: 5 of 1,614,000 alleles (0.00031%); highest among the groups gnomAD compares: Non-Finnish European, 0.00042%; no homozygotes.

Submissions (8):

ClinGen PAH Variant Curation Expert Panel
Classification: Likely pathogenic for Phenylketonuria. Last evaluated: 2019-04-05. Review status: reviewed by expert panel. Criteria: ClinGen PAH ACMG Specifications v1. Collection method: curation. Allele origin: germline. Inheritance: Autosomal recessive inheritance.
Comment: The c.386A>G (p.Asp129Gly) variant in PAH has been reported in multiple individuals with PKU (BH4 deficiency excluded). (PP4_Moderate; PMID: 8981952). This variant has extremely low frequency in gnomAD (MAF: 0.00001; PM2). This variant was detected in trans with known pathogenic variant c.1066-11G>A (PM3; PMID: 27121329). Computational evidence supports a deleterious effect (PP3). In summary, this variant meets criteria to be classified as likely pathogenic for PAH. PAH-specific ACMG/AMP criteria applied: PP4_Moderate, PM2, PM3, PP3.

Natera, Inc.
Classification: Pathogenic for Phenylketonuria. Last evaluated: 2024-08-04. Review status: criteria provided, single submitter. Criteria: Natera Variant Classification Schema (03/2026). Collection method: clinical testing. Allele origin: germline. Not counted in ClinVar's aggregate classification.
Comment: The c.386A>G variant in PAH is a missense variant predicted to cause substitution of aspartic acid to glycine at amino acid 129. This variant is rare in the general population with a frequency below the threshold expected for the associated phenotype(s). This variant has been observed in one or more individuals affected with the associated recessive disease, as either homozygous or compound heterozygous with a second variant (PMID: 9359039, 23357515, 17408607, 16051511, 26666653, 24190797, 23942198). A different variant at the same position has been determined to be Pathogenic or Likely Pathogenic. Computational prediction algorithms indicate this variant is likely to affect gene or protein function. Given the available evidence, this variant is classified as Pathogenic.

Labcorp Genetics (formerly Invitae), Labcorp
Classification: Pathogenic for Phenylketonuria. Last evaluated: 2023-12-03. Review status: criteria provided, single submitter. Criteria: Invitae Variant Classification Sherloc (09022015). Collection method: clinical testing. Allele origin: germline. Not counted in ClinVar's aggregate classification.
Comment: This sequence change replaces aspartic acid, which is acidic and polar, with glycine, which is neutral and non-polar, at codon 129 of the PAH protein (p.Asp129Gly). This variant is present in population databases (rs199475623, gnomAD 0.0009%). This missense change has been observed in individual(s) with phenylketonuria (PMID: 9359039). ClinVar contains an entry for this variant (Variation ID: 102661). Advanced modeling of protein sequence and biophysical properties (such as structural, functional, and spatial information, amino acid conservation, physicochemical variation, residue mobility, and thermodynamic stability) performed at Invitae indicates that this missense variant is expected to disrupt PAH protein function with a positive predictive value of 80%. Experimental studies have shown that this missense change affects PAH function (PMID: 23559577). This variant disrupts the p.Asp129 amino acid residue in PAH. Other variant(s) that disrupt this residue have been determined to be pathogenic (PMID: 26542770; Invitae). This suggests that this residue is clinically significant, and that variants that disrupt this residue are likely to be disease-causing. For these reasons, this variant has been classified as Pathogenic.

Department of Human Genetics, Hannover Medical School
Classification: Likely pathogenic for Phenylketonuria. Last evaluated: 2022-09-02. Review status: criteria provided, single submitter. Criteria: ACMG Guidelines, 2015. Collection method: clinical testing. Allele origin: germline. Inheritance: Autosomal recessive inheritance. Affected: yes. Not counted in ClinVar's aggregate classification.

Women's Health and Genetics/Laboratory Corporation of America, LabCorp
Classification: Pathogenic for Phenylketonuria. Last evaluated: 2021-08-02. Review status: criteria provided, single submitter. Criteria: LabCorp Variant Classification Summary - May 2015. Collection method: clinical testing. Allele origin: germline. Not counted in ClinVar's aggregate classification.
Comment: Variant summary: PAH c.386A>G (p.Asp129Gly) results in a non-conservative amino acid change in the encoded protein sequence. Five of five in-silico tools predict a damaging effect of the variant on protein function. The variant allele was found at a frequency of 4e-06 in 251460 control chromosomes. c.386A>G has been reported in the literature in multiple individuals affected with Phenylalanine Hydroxylase Deficiency (Phenylketonuria, Reblova_2013, Anjema_2013, Aldamiz-Echevarria_2016). These data indicate that the variant is very likely to be associated with disease. Three clinical diagnostic laboratories have submitted clinical-significance assessments for this variant to ClinVar after 2014 without evidence for independent evaluation. All laboratories classified the variant as pathogenic/likely pathogenic. Based on the evidence outlined above, the variant was classified as pathogenic.

Clinical Genetics Service, Universitary Hospital 12 de Octubre
Classification: Pathogenic for Phenylketonuria. Review status: criteria provided, single submitter. Criteria: ACMG Guidelines, 2015. Collection method: clinical testing. Allele origin: maternal. Affected: yes. Not counted in ClinVar's aggregate classification.

Counsyl
Classification: Likely pathogenic for Phenylketonuria. Last evaluated: 2018-02-08. Review status: no assertion criteria provided. Collection method: clinical testing. Allele origin: unknown. Not counted in ClinVar's aggregate classification.

DeBelle Laboratory for Biochemical Genetics, MUHC/MCH RESEARCH INSTITUTE
No classification provided. Review status: no classification provided. Collection method: not provided. Allele origin: not provided. Not counted in ClinVar's aggregate classification.

Literature cited by the submitters: PubMed 23062575 (cited by ClinGen PAH Variant Curation Expert Panel); PubMed 26666653 (cited by 3 submitters); PubMed 23357515 (cited by 4 submitters); PubMed 27121329 (cited by 3 submitters); PubMed 8981952 (cited by ClinGen PAH Variant Curation Expert Panel and Counsyl); PubMed 9359039 (cited by Natera, Inc. and Labcorp Genetics (formerly Invitae), Labcorp); PubMed 17408607 (cited by Natera, Inc. and Counsyl); PubMed 16051511 (cited by Natera, Inc. and Counsyl); PubMed 24190797 (cited by Natera, Inc.); PubMed 23942198 (cited by Natera, Inc.); PubMed 23559577 (cited by Labcorp Genetics (formerly Invitae), Labcorp and Counsyl); PubMed 26542770 (cited by Labcorp Genetics (formerly Invitae), Labcorp); PubMed 23842451 (cited by Women's Health and Genetics/Laboratory Corporation of America, LabCorp); PubMed 12655553 (cited by Counsyl); PubMed 17924342 (cited by Counsyl); PubMed 23690520 (cited by Counsyl); PubMed 22526846 (cited by Counsyl).